The following is an entry in ClinVar:

NM_012418.4(FSCN2):c.1008G>A (p.Met336Ile)

Gene: FSCN2 (fascin actin-bundling protein 2, retinal; plus strand). Cytogenetic location: 17q25.3.
Variant type: single nucleotide variant.
Coding change: c.1008G>A on transcript NM_012418.4 (MANE Select); coding-DNA position 1008, G replaced by A.
Protein change: p.Met336Ile; replaces methionine 336 with isoleucine.
Molecular consequence: missense variant.
Genome position (GRCh38, 1-based): chr17:81,536,170, G>A. VCF-style: chr17-81536170-G-A. GRCh37 (hg19) VCF-style: chr17-79503196-G-A.
Other names: c.1008G>A, p.Met336Ile (NM_001077182.3); short protein forms M336I.
Identifiers: ClinVar variation 939145 (VCV000939145.9), dbSNP rs1034413276, ClinGen allele CA295084744.
Genomic context (GRCh38, chr17:81,536,170, plus strand): 5'-TGCTGTCCTGAGGAGACCTTTTGCTGCTCCCTCCAGTTCTGCCAACACCATGTTTGAGAT[G>A]GAGTGGCGTGGCCGGCGGGTAGCACTCAAAGCCAGCAACGGGCGCTACGTGTGCATGAAG-3'
Protein context (NP_036550.1, residues 326-346): TQVSANTMFE[Met336Ile]EWRGRRVALK

ClinVar aggregate classification (germline): Uncertain significance (1 of 4 stars; one submission).

Allele frequency attached by ClinVar (database versions not stated): gnomAD 0.00001; TOPMed 0.00001.
gnomAD v4.1: 2 of 1,605,980 alleles (0.00012%); highest among the groups gnomAD compares: African/African-American, 0.0013%; no homozygotes.

Submission:

Labcorp Genetics (formerly Invitae), Labcorp
Classification: Uncertain significance. Last evaluated: 2023-03-18. Review status: criteria provided, single submitter. Criteria: Invitae Variant Classification Sherloc (09022015). Collection method: clinical testing. Allele origin: germline.
Comment: In summary, the available evidence is currently insufficient to determine the role of this variant in disease. Therefore, it has been classified as a Variant of Uncertain Significance. Algorithms developed to predict the effect of missense changes on protein structure and function output the following: SIFT: "Not Available"; PolyPhen-2: "Benign"; Align-GVGD: "Not Available". The isoleucine amino acid residue is found in multiple mammalian species, which suggests that this missense change does not adversely affect protein function. ClinVar contains an entry for this variant (Variation ID: 939145). This variant has not been reported in the literature in individuals affected with FSCN2-related conditions. This variant is present in population databases (no rsID available, gnomAD 0.007%). This sequence change replaces methionine, which is neutral and non-polar, with isoleucine, which is neutral and non-polar, at codon 336 of the FSCN2 protein (p.Met336Ile).